The following is an entry in ClinVar:

ClinVar aggregate classification (germline): Uncertain significance (1 of 4 stars; one submission).

Conditions:
Fanconi anemia (FA). Also called: Fanconi's anemia. Identifiers: Orphanet 84, MedGen C0015625, MeSH D005199, MONDO:0019391.

gnomAD v4.1: 1 of 1,613,542 alleles (0.000062%); highest among the groups gnomAD compares: Non-Finnish European, 0.000085%; no homozygotes.

Submission:

Labcorp Genetics (formerly Invitae), Labcorp
Classification: Uncertain significance for Fanconi anemia. Last evaluated: 2024-05-28. Review status: criteria provided, single submitter. Criteria: Invitae Variant Classification Sherloc (09022015). Collection method: clinical testing. Allele origin: germline.
Comment: This sequence change replaces glutamic acid, which is acidic and polar, with glycine, which is neutral and non-polar, at codon 673 of the FANCD2 protein (p.Glu673Gly). This variant is not present in population databases (gnomAD no frequency). This variant has not been reported in the literature in individuals affected with FANCD2-related conditions. Advanced modeling of protein sequence and biophysical properties (such as structural, functional, and spatial information, amino acid conservation, physicochemical variation, residue mobility, and thermodynamic stability) performed at Invitae indicates that this missense variant is not expected to disrupt FANCD2 protein function with a negative predictive value of 80%. Algorithms developed to predict the effect of sequence changes on RNA splicing suggest that this variant may disrupt the consensus splice site. In summary, the available evidence is currently insufficient to determine the role of this variant in disease. Therefore, it has been classified as a Variant of Uncertain Significance.

NM_001018115.3(FANCD2):c.2018A>G (p.Glu673Gly)

Genes: FANCD2 (FA complementation group D2; plus strand), LOC107303338 (3p25 FANCD2 Alu-mediated recombination region; plus strand). Cytogenetic location: 3p25.3.
Variant type: single nucleotide variant.
Coding change: c.2018A>G on transcript NM_001018115.3 (MANE Select); coding-DNA position 2018, A replaced by G.
Protein change: p.Glu673Gly; replaces glutamic acid 673 with glycine.
Molecular consequence: missense variant.
Genome position (GRCh38, 1-based): chr3:10,064,426, A>G. VCF-style: chr3-10064426-A-G. GRCh37 (hg19) VCF-style: chr3-10106110-A-G.
Other names: c.2018A>G, p.Glu673Gly (NM_001319984.2, NM_001374254.1, NM_033084.6); c.1907A>G, p.Glu636Gly (NM_001374253.1); short protein forms E673G, E636G.
Identifiers: ClinVar variation 3686752 (VCV003686752.2).